The following is an entry in ClinVar:

ClinVar aggregate classification (germline): Uncertain significance. Review status: criteria provided, multiple submitters, no conflicts (2 of 4 stars). 3 submissions from 3 submitters: Uncertain significance (3). Last evaluated 2024-12-20.

Conditions:
Fetal akinesia deformation sequence 1 (FADS1). Also called: Fetal akinesia sequence; Pena-Shokeir syndrome type I. Identifiers: Orphanet 994, MedGen C1276035, MONDO:0100101, OMIM 208150, HP:0001989.
Congenital myasthenic syndrome 10. Also called: Myasthenia, limb-girdle, familial. Identifiers: Orphanet 590, MedGen C1850792, MONDO:0009690, OMIM 254300.
Inborn genetic diseases. Identifiers: MedGen C0950123, MeSH D030342.

Allele frequency attached by ClinVar (database versions not stated): ExAC 0.00005; gnomAD 0.00005; TOPMed 0.00006; gnomAD exomes 0.00012.
gnomAD v4.1: 183 of 1,610,440 alleles (0.011%); highest among the groups gnomAD compares: Non-Finnish European, 0.013%; 1 homozygote.

Submissions (3):

Ambry Genetics
Classification: Uncertain significance for Inborn genetic diseases. Last evaluated: 2024-12-20. Review status: criteria provided, single submitter. Criteria: Ambry Variant Classification Scheme 2023. Collection method: clinical testing. Allele origin: germline.

Labcorp Genetics (formerly Invitae), Labcorp
Classification: Uncertain significance for Congenital myasthenic syndrome 10; Fetal akinesia deformation sequence 1. Last evaluated: 2022-01-26. Review status: criteria provided, single submitter. Criteria: Invitae Variant Classification Sherloc (09022015). Collection method: clinical testing. Allele origin: germline.
Comment: This sequence change replaces serine, which is neutral and polar, with leucine, which is neutral and non-polar, at codon 290 of the DOK7 protein (p.Ser290Leu). This variant is present in population databases (rs769289951, gnomAD 0.01%). This variant has not been reported in the literature in individuals affected with DOK7-related conditions. Algorithms developed to predict the effect of missense changes on protein structure and function (SIFT, PolyPhen-2, Align-GVGD) all suggest that this variant is likely to be tolerated. In summary, the available evidence is currently insufficient to determine the role of this variant in disease. Therefore, it has been classified as a Variant of Uncertain Significance.

Revvity Omics, Revvity
Classification: Uncertain significance. Last evaluated: 2019-12-20. Review status: criteria provided, single submitter. Criteria: ACMG Guidelines, 2015. Collection method: clinical testing. Allele origin: germline.

NM_173660.5(DOK7):c.869C>T (p.Ser290Leu)

Gene: DOK7 (docking protein 7; plus strand). Cytogenetic location: 4p16.3.
Variant type: single nucleotide variant.
Coding change: c.869C>T on transcript NM_173660.5 (MANE Select); coding-DNA position 869, C replaced by T.
Protein change: p.Ser290Leu; replaces serine 290 with leucine.
Molecular consequence: missense variant. On other transcripts: 3 prime UTR variant (1), 5 prime UTR variant (1).
Genome position (GRCh38, 1-based): chr4:3,492,855, C>T. VCF-style: chr4-3492855-C-T. GRCh37 (hg19) VCF-style: chr4-3494582-C-T.
Other names: c.*90C>T (NM_001164673.2); c.-62C>T (NM_001256896.2); c.869C>T, p.Ser290Leu (NM_001301071.2); c.437C>T, p.Ser146Leu (NM_001363811.2); short protein forms S146L, S290L.
Identifiers: ClinVar variation 2037886 (VCV002037886.6), dbSNP rs769289951, ClinGen allele CA2829262.